The following is an entry in ClinVar:

ClinVar aggregate classification (germline): Likely benign. Review status: criteria provided, multiple submitters, no conflicts (2 of 4 stars). 2 submissions from 2 submitters: Likely benign (2). Last evaluated 2024-06-09.

Conditions:
Ehlers-Danlos syndrome, type 4 (EDSVASC). Also called: Ehlers-Danlos syndrome vascular type; Ehlers Danlos syndrome, ecchymotic type; Ehlers Danlos syndrome, arterial type; Ehlers Danlos syndrome, Sack-Barabas type; Ehlers-Danlos Syndrome Type IV. Identifiers: Orphanet 286, MedGen C0268338, MONDO:0017314, OMIM 130050.

Submissions (2):

All of Us Research Program, National Institutes of Health
Classification: Likely benign for Ehlers-Danlos syndrome, type 4. Last evaluated: 2024-06-09. Review status: criteria provided, single submitter. Criteria: ACMG Guidelines, 2015. Collection method: clinical testing. Allele origin: germline. Inheritance: Autosomal dominant inheritance. Observed: 1 variant allele, 1 heterozygote.
Comment: This study involves interpretation of variants in research participants for the purpose of population health screening. Participant phenotype was not available at the time of variant classification. Additional details can be found in publication PMID: 35346344, PMCID: PMC8962531

Labcorp Genetics (formerly Invitae), Labcorp
Classification: Likely benign for Ehlers-Danlos syndrome, type 4. Last evaluated: 2024-04-02. Review status: criteria provided, single submitter. Criteria: Invitae Variant Classification Sherloc (09022015). Collection method: clinical testing. Allele origin: germline.

NM_000090.4(COL3A1):c.1254A>G (p.Pro418=)

Gene: COL3A1 (collagen type III alpha 1 chain; plus strand). Cytogenetic location: 2q32.2.
Variant type: single nucleotide variant.
Coding change: c.1254A>G on transcript NM_000090.4 (MANE Select); coding-DNA position 1254, A replaced by G.
Protein change: p.Pro418=; no amino-acid change (proline 418 retained).
Molecular consequence: synonymous variant.
Genome position (GRCh38, 1-based): chr2:188,994,293, A>G. VCF-style: chr2-188994293-A-G. GRCh37 (hg19) VCF-style: chr2-189859019-A-G.
Identifiers: ClinVar variation 1556433 (VCV001556433.9), dbSNP rs2153502381, ClinGen allele CA430309480.
Genomic context (GRCh38, chr2:188,994,293, plus strand): 5'-GGGTCCCGCTGGCATTCCTGGAGCTCCTGGACTGATGGGAGCCCGGGGTCCTCCAGGACC[A>G]GCCGGTGCTAATGGTGCTCCTGGACTGCGAGGTGGTGCAGTAAGTTGCCTTGTTTTTTCT-3'
Protein context (NP_000081.2, residues 408-428): GLMGARGPPG[Pro418=]AGANGAPGLR